The following is an entry in ClinVar:

ClinVar aggregate classification (germline): Uncertain significance (1 of 4 stars; one submission).

Submission:

GeneDx
Classification: Uncertain significance. Last evaluated: 2022-04-18. Review status: criteria provided, single submitter. Criteria: GeneDx Variant Classification Process June 2021. Collection method: clinical testing. Allele origin: germline. Affected: yes.
Comment: Not observed at significant frequency in large population cohorts (gnomAD); Has not been previously published as pathogenic or benign to our knowledge; In-silico analysis is inconclusive as to whether the variant alters gene splicing. In the absence of RNA/functional studies, the actual effect of this sequence change is unknown.

NM_000334.4(SCN4A):c.3721-8TC[2]

Genes: GH-LCR (growth hormone locus control region; plus strand), SCN4A (sodium voltage-gated channel alpha subunit 4; minus strand). Cytogenetic location: 17q23.3.
Variant type: Microsatellite.
Coding change: c.3721-8TC[2] on transcript NM_000334.4 (MANE Select); two copies in a row of the 2-base unit TC starting at c.3721-8; the reference has three copies in a row; one copy, 2 bases deleted.
Molecular consequence: intron variant.
Genome position (GRCh38, 1-based): chr17:63,945,063-63,945,064, GA deleted on the plus strand (TC on the coding strand, the reverse complement: SCN4A is on the minus strand); deleting any 2 consecutive bases within chr17:63,945,063-63,945,069 gives the same sequence; the position shown is the placement nearest the transcript's 3' end. VCF-style (leftmost placement, unchanged base first): chr17-63945062-TGA-T. GRCh37 (hg19) VCF-style: chr17-62022422-TGA-T.
Identifiers: ClinVar variation 1712075 (VCV001712075.2), dbSNP rs1160871673, ClinGen allele CA627150296.